The following is an entry in ClinVar:

ClinVar aggregate classification (germline): Uncertain significance. Review status: criteria provided, single submitter (1 of 4 stars). 2 submissions from 2 submitters: Uncertain significance (1). 1 of the submissions does not count toward it. Last evaluated 2024-02-24.

Conditions:
ERBIN-related disorder. Also called: ERBIN-related condition.

Allele frequency attached by ClinVar (database versions not stated): gnomAD exomes 0.00002; ExAC 0.00005.
gnomAD v4.1: 35 of 1,613,924 alleles (0.0022%); highest among the groups gnomAD compares: East Asian, 0.0089%; no homozygotes.

Submissions (2):

Labcorp Genetics (formerly Invitae), Labcorp
Classification: Uncertain significance. Last evaluated: 2024-02-24. Review status: criteria provided, single submitter. Criteria: Invitae Variant Classification Sherloc (09022015). Collection method: clinical testing. Allele origin: germline.
Comment: This sequence change replaces glutamic acid, which is acidic and polar, with lysine, which is basic and polar, at codon 953 of the ERBIN protein (p.Glu953Lys). This variant is present in population databases (rs776163114, gnomAD 0.02%). This variant has not been reported in the literature in individuals affected with ERBIN-related conditions. ClinVar contains an entry for this variant (Variation ID: 2180483). An algorithm developed to predict the effect of missense changes on protein structure and function (PolyPhen-2) suggests that this variant is likely to be disruptive. In summary, the available evidence is currently insufficient to determine the role of this variant in disease. Therefore, it has been classified as a Variant of Uncertain Significance.

PreventionGenetics, part of Exact Sciences
Classification: Uncertain significance for ERBIN-related condition. Last evaluated: 2023-11-10. Review status: no assertion criteria provided. Collection method: clinical testing. Allele origin: germline. Not counted in ClinVar's aggregate classification.
Comment: The ERBIN c.2857G>A variant is predicted to result in the amino acid substitution p.Glu953Lys. To our knowledge, this variant has not been reported in the literature. This variant is reported in 0.022% of alleles in individuals of East Asian descent in gnomAD. At this time, the clinical significance of this variant is uncertain due to the absence of conclusive functional and genetic evidence.

NM_001253697.2(ERBIN):c.2857G>A (p.Glu953Lys)

Gene: ERBIN (erbb2 interacting protein; plus strand). Cytogenetic location: 5q12.3.
Variant type: single nucleotide variant.
Coding change: c.2857G>A on transcript NM_001253697.2 (MANE Select); coding-DNA position 2857, G replaced by A.
Protein change: p.Glu953Lys; replaces glutamic acid 953 with lysine.
Molecular consequence: missense variant.
Genome position (GRCh38, 1-based): chr5:66,054,175, G>A. VCF-style: chr5-66054175-G-A. GRCh37 (hg19) VCF-style: chr5-65350003-G-A.
Other names: c.2857G>A, p.Glu953Lys (NM_001006600.3, NM_001253698.2, NM_001253699.2 and 1 more transcripts); c.2845G>A, p.Glu949Lys (NM_001253701.2); c.2857G>A (NM_001006600.2); short protein forms E949K, E953K.
Identifiers: ClinVar variation 2180483 (VCV002180483.6), dbSNP rs776163114, ClinGen allele CA3286550.